The following is an entry in ClinVar:

ClinVar aggregate classification (germline): Likely benign. Review status: criteria provided, multiple submitters, no conflicts (2 of 4 stars). 2 submissions from 2 submitters: Likely benign (2). Last evaluated 2023-03-23.

Conditions:
Hereditary cancer-predisposing syndrome. Also called: Hereditary Cancer Syndrome; Neoplastic Syndromes, Hereditary; Hereditary neoplastic syndrome; Tumor predisposition. Identifiers: Orphanet 140162, MedGen C0027672, MeSH D009386, MONDO:0015356.
Breast-ovarian cancer, familial, susceptibility to, 2 (BROVCA2). Also called: BRCA2 Hereditary Breast and Ovarian Cancer. Identifiers: Orphanet 145, MedGen C2675520, MONDO:0012933, OMIM 612555. Disease mechanism: loss of function.

Allele frequency attached by ClinVar (database versions not stated): TOPMed below 0.00001.

Submissions (2):

University of Washington Department of Laboratory Medicine, University of Washington
Classification: Likely benign for Hereditary cancer-predisposing syndrome. Last evaluated: 2023-03-23. Review status: criteria provided, single submitter. Criteria: Dines et al. (Genet Med. 2020). Collection method: curation. Allele origin: germline.
Comment: Missense variant in a coldspot region where missense variants are very unlikely to be pathogenic (PMID:31911673).

BRCA2 exon 11 coldspot. Reclassification based on statistical prior probability.

Mendelics
Classification: Likely benign for Breast-ovarian cancer, familial, susceptibility to, 2. Last evaluated: 2019-05-28. Review status: criteria provided, single submitter. Criteria: Mendelics Assertion Criteria 2017. Collection method: clinical testing. Allele origin: unknown.

NM_000059.4(BRCA2):c.2568T>A (p.Asn856Lys)

Gene: BRCA2 (BRCA2 DNA repair associated; plus strand). Cytogenetic location: 13q13.1.
Variant type: single nucleotide variant.
Coding change: c.2568T>A on transcript NM_000059.4 (MANE Select); coding-DNA position 2568, T replaced by A.
Protein change: p.Asn856Lys; replaces asparagine 856 with lysine.
Molecular consequence: missense variant.
Genome position (GRCh38, 1-based): chr13:32,336,923, T>A. VCF-style: chr13-32336923-T-A. GRCh37 (hg19) VCF-style: chr13-32911060-T-A.
Other names: short protein forms N856K.
Identifiers: ClinVar variation 802928 (VCV000802928.3), dbSNP rs1166285186, ClinGen allele CA387772563.